The following is an entry in ClinVar:

NM_002529.4(NTRK1):c.574+1G>A

Gene: NTRK1 (neurotrophic receptor tyrosine kinase 1; plus strand). Cytogenetic location: 1q23.1.
Variant type: single nucleotide variant.
Coding change: c.574+1G>A on transcript NM_002529.4 (MANE Select); the canonical splice donor site of the intron after coding-DNA position 574, G replaced by A.
Molecular consequence: splice donor variant.
Genome position (GRCh38, 1-based): chr1:156,868,250, G>A. VCF-style: chr1-156868250-G-A. GRCh37 (hg19) VCF-style: chr1-156838042-G-A.
Other names: c.484+1G>A (NM_001007792.1); c.574+1G>A (NM_001012331.2).
Identifiers: ClinVar variation 637365 (VCV000637365.17), dbSNP rs1232901259, ClinGen allele CA342934089.
Genomic context (GRCh38, chr1:156,868,250, plus strand): 5'-AACAGAAGCTGCAGTGTCATGGGCAAGGGCCCCTGGCCCACATGCCCAATGCCAGCTGTG[G>A]TAGGTGCCGGGTGAGGGAGGTGGTGTAAGGGGGCTGGGGAAGAGACCTACCTGCCTGAGG-3'

ClinVar aggregate classification (germline): Pathogenic. Review status: criteria provided, multiple submitters, no conflicts (2 of 4 stars). 6 submissions from 6 submitters: Pathogenic (4). 2 of the submissions do not count toward it. Last evaluated 2025-08-21.

Conditions:
Charcot-Marie-Tooth disease. Also called: Charcot-Marie-Tooth Neuropathy; Charcot-Marie-Tooth Hereditary Neuropathy. Identifiers: Orphanet 166, MedGen C0007959, MONDO:0015626.
Hereditary insensitivity to pain with anhidrosis (CIPA). Also called: INSENSITIVITY TO PAIN, CONGENITAL, WITH ANHIDROSIS; NTRK1 Congenital Insensitivity to Pain with Anhidrosis; hereditary sensory and autonomic neuropathy type 4; FAMILIAL DYSAUTONOMIA, TYPE II; NEUROPATHY, CONGENITAL SENSORY, WITH ANHIDROSIS; HSAN Type IV. Identifiers: Orphanet 642, MedGen C0020074, MONDO:0009746, OMIM 256800.

Allele frequency attached by ClinVar (database versions not stated): gnomAD exomes 0.00001.
gnomAD v4.1: 7 of 1,608,606 alleles (0.00044%); highest among the groups gnomAD compares: Non-Finnish European, 0.00059%; no homozygotes.

Submissions (6):

3billion
Classification: Pathogenic for Hereditary insensitivity to pain with anhidrosis. Last evaluated: 2025-08-21. Review status: criteria provided, single submitter. Criteria: ACMG Guidelines, 2015. Collection method: clinical testing. Allele origin: germline. Affected: yes.
Comment: The variant is observed at an extremely low frequency in the gnomAD v4.1.0 dataset (total allele frequency: <0.001%). Predicted Consequence/Location: Canonical splice site: predicted to alter splicing and result in a loss or disruption of normal protein function. Multiple pathogenic loss-of-function variants are reported downstream of the variant. In silico tools predict the variant to alter splicing and produce an abnormal transcript [SpliceAI: 0.84 (spliceogenicity >=0.2, non-spliceogenicity <0.1)]. The variant has been reported at least twice as pathogenic with clinical assertions and evidence for the classification (ClinVar ID: VCV000637365 /PMID: 11139246). Therefore, this variant is classified as Pathogenic according to the recommendation of ACMG/AMP guideline.

Fulgent Genetics
Classification: Pathogenic for Hereditary insensitivity to pain with anhidrosis. Last evaluated: 2024-01-26. Review status: criteria provided, single submitter. Criteria: ACMG Guidelines, 2015. Collection method: clinical testing. Allele origin: germline.

Labcorp Genetics (formerly Invitae), Labcorp
Classification: Pathogenic for Hereditary insensitivity to pain with anhidrosis. Last evaluated: 2024-01-16. Review status: criteria provided, single submitter. Criteria: Invitae Variant Classification Sherloc (09022015). Collection method: clinical testing. Allele origin: germline.
Comment: This sequence change affects a donor splice site in intron 5 of the NTRK1 gene. It is expected to disrupt RNA splicing. Variants that disrupt the donor or acceptor splice site typically lead to a loss of protein function (PMID: 16199547), and loss-of-function variants in NTRK1 are known to be pathogenic (PMID: 10982191). This variant is present in population databases (no rsID available, gnomAD 0.002%). Disruption of this splice site has been observed in individuals with congenital insensitivity to pain with anhidrosis (PMID: 11139246, 21708027, 22957891). This variant is also known as IVS5+1G>A. ClinVar contains an entry for this variant (Variation ID: 637365). Algorithms developed to predict the effect of sequence changes on RNA splicing suggest that this variant may disrupt the consensus splice site. For these reasons, this variant has been classified as Pathogenic.

Genome-Nilou Lab
Classification: Pathogenic for Hereditary insensitivity to pain with anhidrosis. Last evaluated: 2021-07-22. Review status: criteria provided, single submitter. Criteria: ACMG Guidelines, 2015. Collection method: clinical testing. Allele origin: germline. Affected: yes.

Natera, Inc.
Classification: Pathogenic for Hereditary insensitivity to pain with anhidrosis. Last evaluated: 2020-08-11. Review status: no assertion criteria provided. Collection method: clinical testing. Allele origin: germline. Not counted in ClinVar's aggregate classification.

Inherited Neuropathy Consortium
Classification: Likely benign for Charcot-Marie-Tooth disease. Review status: no assertion criteria provided. Collection method: literature only. Allele origin: germline. Affected: yes. Not counted in ClinVar's aggregate classification.

Literature cited by the submitters: PubMed 11139246 (cited by 3 submitters); PubMed 16199547 (cited by Labcorp Genetics (formerly Invitae), Labcorp); PubMed 10982191 (cited by Labcorp Genetics (formerly Invitae), Labcorp); PubMed 21708027 (cited by Labcorp Genetics (formerly Invitae), Labcorp); PubMed 22957891 (cited by Labcorp Genetics (formerly Invitae), Labcorp).